The following is an entry in ClinVar:

NM_001039469.3(MARK2):c.645_646insA (p.Ala216fs)

Gene: MARK2 (microtubule affinity regulating kinase 2; plus strand). Cytogenetic location: 11q13.1.
Variant type: Insertion.
Coding change: c.645_646insA on transcript NM_001039469.3 (MANE Select); coding-DNA positions 645 to 646, A inserted.
Protein change: p.Ala216fs; shifts the reading frame from alanine 216.
Molecular consequence: frameshift variant.
Genome position: GRCh38 VCF-style: chr11-63899987-T-TA. GRCh37 (hg19) VCF-style: chr11-63667459-T-TA.
Other names: c.645_646insA, p.Ala216fs (NM_001163296.2, NM_001163297.2, NM_004954.5); c.546_547insA, p.Ala183fs (NM_017490.4); short protein forms A183fs, A216fs.
Identifiers: ClinVar variation 3900984 (VCV003900984.2).

ClinVar aggregate classification (germline): Uncertain significance. Review status: criteria provided, single submitter (1 of 4 stars). 2 submissions from 2 submitters: Uncertain significance (1). 1 of the submissions does not count toward it.

Conditions:
Intellectual developmental disorder, autosomal dominant 76. Identifiers: MedGen C6012756, MONDO:0979575, OMIM 621285.
Autism (AUTS). Also called: Autistic disorder; Autistic disorder of childhood onset. Identifiers: MedGen C0004352, MeSH D001321, MONDO:0005260, OMIM 209850, HP:0000717.

Submissions (2):

Xiaolan Lab, Jiangxi Provincial Children's Hospital
Classification: Uncertain significance for Autism. Review status: criteria provided, single submitter. Criteria: ACMG Guidelines, 2015. Collection method: research. Allele origin: de novo. Affected: yes. Observed: 1 heterozygote.
Comment: MARK2 c.645_646insA (p.Ala216Serfs*12) is a de novo frameshift variant predicted to introduce a premature termination codon (PTC), likely leading to truncation or absence of the encoded protein due to nonsense-mediated decay (NMD), a well-established disease mechanism. This variant is absent in population databases (e.g., gnomAD). Notably, other different frameshift variants in the downstream region of MARK2 have been classified as Pathogenic in ClinVar (eg. Accession: VCV003253625.2). Additionally, MARK2-related disorders were recently reviewed in The American Journal of Human Genetics (2024, PMID: 39419027), further supporting the gene’s association with disease.

OMIM
Classification: Pathogenic for INTELLECTUAL DEVELOPMENTAL DISORDER, AUTOSOMAL DOMINANT 76. Last evaluated: 2025-07-25. Review status: no assertion criteria provided. Collection method: literature only. Allele origin: germline. Not counted in ClinVar's aggregate classification.

Literature cited by the submitters: PubMed 40542891 (cited by OMIM).